The following is an entry in ClinVar:

ClinVar aggregate classification (germline): Uncertain significance. Review status: criteria provided, multiple submitters, no conflicts (2 of 4 stars). 2 submissions from 2 submitters: Uncertain significance (2). Last evaluated 2024-08-19.

Conditions:
Hereditary cancer-predisposing syndrome. Also called: Neoplastic Syndromes, Hereditary; Hereditary Cancer Syndrome; Tumor predisposition; Hereditary neoplastic syndrome. Identifiers: Orphanet 140162, MedGen C0027672, MeSH D009386, MONDO:0015356.
Tuberous sclerosis 1 (TSC1). Identifiers: Orphanet 805, MedGen C1854465, MONDO:0008612, OMIM 191100.

Submissions (2):

Ambry Genetics
Classification: Uncertain significance for Hereditary cancer-predisposing syndrome. Last evaluated: 2024-08-19. Review status: criteria provided, single submitter. Criteria: Ambry Variant Classification Scheme 2023. Collection method: clinical testing. Allele origin: germline.
Comment: The p.K708Q variant (also known as c.2122A>C), located in coding exon 15 of the TSC1 gene, results from an A to C substitution at nucleotide position 2122. The lysine at codon 708 is replaced by glutamine, an amino acid with similar properties. This amino acid position is conserved. In addition, this alteration is predicted to be deleterious by in silico analysis. Based on the available evidence, the clinical significance of this variant remains unclear.

Labcorp Genetics (formerly Invitae), Labcorp
Classification: Uncertain significance for Tuberous sclerosis 1. Last evaluated: 2022-11-07. Review status: criteria provided, single submitter. Criteria: Invitae Variant Classification Sherloc (09022015). Collection method: clinical testing. Allele origin: germline.
Comment: This sequence change replaces lysine, which is basic and polar, with glutamine, which is neutral and polar, at codon 708 of the TSC1 protein (p.Lys708Gln). In summary, the available evidence is currently insufficient to determine the role of this variant in disease. Therefore, it has been classified as a Variant of Uncertain Significance. Advanced modeling of protein sequence and biophysical properties (such as structural, functional, and spatial information, amino acid conservation, physicochemical variation, residue mobility, and thermodynamic stability) performed at Invitae indicates that this missense variant is not expected to disrupt TSC1 protein function. ClinVar contains an entry for this variant (Variation ID: 1037077). This variant has not been reported in the literature in individuals affected with TSC1-related conditions. This variant is not present in population databases (gnomAD no frequency).

NM_000368.5(TSC1):c.2122A>C (p.Lys708Gln)

Gene: TSC1 (TSC complex subunit 1; minus strand). Cytogenetic location: 9q34.13.
Variant type: single nucleotide variant.
Coding change: c.2122A>C on transcript NM_000368.5 (MANE Select); coding-DNA position 2122, A replaced by C.
Protein change: p.Lys708Gln; replaces lysine 708 with glutamine.
Molecular consequence: missense variant.
Genome position (GRCh38, 1-based): chr9:132,903,737, T>G on the plus strand (A>C on the coding strand, the complement: TSC1 is on the minus strand). VCF-style: chr9-132903737-T-G. GRCh37 (hg19) VCF-style: chr9-135779124-T-G.
Other names: c.2119A>C, p.Lys707Gln (NM_001162426.2); c.1969A>C, p.Lys657Gln (NM_001162427.2); c.1759A>C, p.Lys587Gln (NM_001362177.2); c.2122A>C (NM_000368.4); short protein forms K587Q, K657Q, K708Q, K707Q.
Identifiers: ClinVar variation 1037077 (VCV001037077.9), dbSNP rs1845500801, ClinGen allele CA375361005.